The following is an entry in ClinVar:

NM_017636.4(TRPM4):c.2213C>T (p.Thr738Met)

Gene: TRPM4 (transient receptor potential cation channel subfamily M member 4; plus strand). Cytogenetic location: 19q13.33.
Variant type: single nucleotide variant.
Coding change: c.2213C>T on transcript NM_017636.4 (MANE Select); coding-DNA position 2213, C replaced by T.
Protein change: p.Thr738Met; replaces threonine 738 with methionine.
Molecular consequence: missense variant. On other transcripts: intron variant (1).
Genome position (GRCh38, 1-based): chr19:49,196,442, C>T. VCF-style: chr19-49196442-C-T. GRCh37 (hg19) VCF-style: chr19-49699699-C-T.
Other names: c.1868C>T, p.Thr623Met (NM_001321281.2); c.605C>T, p.Thr202Met (NM_001321282.2); c.1691C>T, p.Thr564Met (NM_001321283.2); c.1151C>T, p.Thr384Met (NM_001321285.2); c.2211-3858C>T (NM_001195227.2); short protein forms T564M, T202M, T384M, T623M, T738M.
Identifiers: ClinVar variation 3693748 (VCV003693748.2).

ClinVar aggregate classification (germline): Uncertain significance (1 of 4 stars; one submission).

Conditions:
Progressive familial heart block type IB (PFHB1B). Identifiers: Orphanet 871, MedGen C1970298, MONDO:0011474, OMIM 604559.

gnomAD v4.1: 3 of 1,539,326 alleles (0.00019%); highest among the groups gnomAD compares: East Asian, 0.0024%; no homozygotes.

Submission:

Labcorp Genetics (formerly Invitae), Labcorp
Classification: Uncertain significance for Progressive familial heart block type IB. Last evaluated: 2024-07-30. Review status: criteria provided, single submitter. Criteria: Invitae Variant Classification Sherloc (09022015). Collection method: clinical testing. Allele origin: germline.
Comment: This sequence change replaces threonine, which is neutral and polar, with methionine, which is neutral and non-polar, at codon 738 of the TRPM4 protein (p.Thr738Met). This variant is not present in population databases (gnomAD no frequency). This variant has not been reported in the literature in individuals affected with TRPM4-related conditions. An algorithm developed to predict the effect of missense changes on protein structure and function (PolyPhen-2) suggests that this variant is likely to be tolerated. In summary, the available evidence is currently insufficient to determine the role of this variant in disease. Therefore, it has been classified as a Variant of Uncertain Significance.